The following is an entry in ClinVar:

ClinVar aggregate classification (germline): Uncertain significance (1 of 4 stars; one submission).

Allele frequency attached by ClinVar (database versions not stated): ExAC 0.00001; gnomAD exomes 0.00001.
gnomAD v4.1: 6 of 1,613,052 alleles (0.00037%); highest among the groups gnomAD compares: South Asian, 0.0033%; no homozygotes.

Submission:

Labcorp Genetics (formerly Invitae), Labcorp
Classification: Uncertain significance. Last evaluated: 2022-07-19. Review status: criteria provided, single submitter. Criteria: Invitae Variant Classification Sherloc (09022015). Collection method: clinical testing. Allele origin: germline.
Comment: In summary, the available evidence is currently insufficient to determine the role of this variant in disease. Therefore, it has been classified as a Variant of Uncertain Significance. Algorithms developed to predict the effect of missense changes on protein structure and function are either unavailable or do not agree on the potential impact of this missense change (SIFT: "Deleterious"; PolyPhen-2: "Probably Damaging"; Align-GVGD: "Class C0"). ClinVar contains an entry for this variant (Variation ID: 1466228). This variant has not been reported in the literature in individuals affected with LRRC56-related conditions. This variant is present in population databases (rs758284462, gnomAD 0.002%). This sequence change replaces valine, which is neutral and non-polar, with methionine, which is neutral and non-polar, at codon 120 of the LRRC56 protein (p.Val120Met).

NM_198075.4(LRRC56):c.358G>A (p.Val120Met)

Gene: LRRC56 (leucine rich repeat containing 56; plus strand). Cytogenetic location: 11p15.5.
Variant type: single nucleotide variant.
Coding change: c.358G>A on transcript NM_198075.4 (MANE Select); coding-DNA position 358, G replaced by A.
Protein change: p.Val120Met; replaces valine 120 with methionine.
Molecular consequence: missense variant.
Genome position (GRCh38, 1-based): chr11:549,933, G>A. VCF-style: chr11-549933-G-A. GRCh37 (hg19) VCF-style: chr11-549933-G-A.
Other names: short protein forms V120M.
Identifiers: ClinVar variation 1466228 (VCV001466228.8), dbSNP rs758284462, ClinGen allele CA5779669.